The following is an entry in ClinVar:

ClinVar aggregate classification (germline): Uncertain significance (1 of 4 stars; one submission).

gnomAD v4.1: 48 of 1,614,112 alleles (0.003%); highest among the groups gnomAD compares: South Asian, 0.038%; no homozygotes.

Submission:

Labcorp Genetics (formerly Invitae), Labcorp
Classification: Uncertain significance. Last evaluated: 2025-03-16. Review status: criteria provided, single submitter. Criteria: Invitae Variant Classification Sherloc (09022015). Collection method: clinical testing. Allele origin: germline.
Comment: This sequence change replaces aspartic acid, which is acidic and polar, with asparagine, which is neutral and polar, at codon 149 of the GEN1 protein (p.Asp149Asn). This variant is present in population databases (rs753568841, gnomAD 0.03%). This variant has not been reported in the literature in individuals affected with GEN1-related conditions. ClinVar contains an entry for this variant (Variation ID: 2884155). An algorithm developed to predict the effect of missense changes on protein structure and function (PolyPhen-2) suggests that this variant is likely to be disruptive. In summary, the available evidence is currently insufficient to determine the role of this variant in disease. Therefore, it has been classified as a Variant of Uncertain Significance.

NM_001130009.3(GEN1):c.445G>A (p.Asp149Asn)

Gene: GEN1 (GEN1 structure-specific endonuclease; plus strand). Cytogenetic location: 2p24.2.
Variant type: single nucleotide variant.
Coding change: c.445G>A on transcript NM_001130009.3 (MANE Select); coding-DNA position 445, G replaced by A.
Protein change: p.Asp149Asn; replaces aspartic acid 149 with asparagine.
Molecular consequence: missense variant.
Genome position (GRCh38, 1-based): chr2:17,764,993, G>A. VCF-style: chr2-17764993-G-A. GRCh37 (hg19) VCF-style: chr2-17946260-G-A.
Other names: c.445G>A, p.Asp149Asn (NM_182625.5); short protein forms D149N.
Identifiers: ClinVar variation 2884155 (VCV002884155.3), dbSNP rs753568841, ClinGen allele CA1540423.